The following is an entry in ClinVar:

ClinVar aggregate classification (germline): Likely benign (1 of 4 stars; one submission).

Allele frequency attached by ClinVar (database versions not stated): 1000 Genomes Project 0.00060; 1000 Genomes Project 30x 0.00078; ExAC 0.00189; TOPMed 0.00193; ESP Exome Variant Server 0.00233; gnomAD 0.00233; gnomAD exomes 0.00311.
gnomAD v4.1: 4,807 of 1,614,028 alleles (0.3%); highest among the groups gnomAD compares: Non-Finnish European, 0.38%; 14 homozygotes.

Submission:

CeGaT Center for Human Genetics Tuebingen
Classification: Likely benign. Last evaluated: 2023-05-01. Review status: criteria provided, single submitter. Criteria: CeGaT Center For Human Genetics Tuebingen Variant Classification Criteria Version 2. Collection method: clinical testing. Allele origin: germline. Affected: yes. Observed: 1 variant allele.
Comment: USP34: BP4, BP7

NM_014709.4(USP34):c.5055G>A (p.Leu1685=)

Gene: USP34 (ubiquitin specific peptidase 34; minus strand). Cytogenetic location: 2p15.
Variant type: single nucleotide variant.
Coding change: c.5055G>A on transcript NM_014709.4 (MANE Select); coding-DNA position 5055, G replaced by A.
Protein change: p.Leu1685=; no amino-acid change (leucine 1685 retained).
Molecular consequence: synonymous variant.
Genome position (GRCh38, 1-based): chr2:61,281,186, C>T on the plus strand (G>A on the coding strand, the complement: USP34 is on the minus strand). VCF-style: chr2-61281186-C-T. GRCh37 (hg19) VCF-style: chr2-61508321-C-T.
Identifiers: ClinVar variation 2650978 (VCV002650978.24), dbSNP rs4645002, ClinGen allele CA1676312.